The following is an entry in ClinVar:

ClinVar aggregate classification (germline): Benign/Likely benign. Review status: criteria provided, multiple submitters, no conflicts (2 of 4 stars). 4 submissions from 4 submitters: Benign (2); Likely benign (2). Last evaluated 2026-01-27.

Allele frequency attached by ClinVar (database versions not stated): 1000 Genomes Project 0.00120; 1000 Genomes Project 30x 0.00125; ExAC 0.00241; gnomAD exomes 0.00262; gnomAD 0.00266 and 0.00271; TOPMed 0.00279; ESP Exome Variant Server 0.00300.

Submissions (4):

Labcorp Genetics (formerly Invitae), Labcorp
Classification: Benign. Last evaluated: 2026-01-27. Review status: criteria provided, single submitter. Criteria: Invitae Variant Classification Sherloc (09022015). Collection method: clinical testing. Allele origin: germline.

CeGaT Center for Human Genetics Tuebingen
Classification: Likely benign. Last evaluated: 2025-11-01. Review status: criteria provided, single submitter. Criteria: CeGaT Center For Human Genetics Tuebingen Variant Classification Criteria Version 2. Collection method: clinical testing. Allele origin: germline. Affected: yes. Observed: 1 variant allele.
Comment: ZNF408: BP4, BP7, BS2

Blueprint Genetics
Classification: Likely benign. Last evaluated: 2024-11-26. Review status: criteria provided, single submitter. Criteria: ACMG Guidelines, 2015. Collection method: clinical testing. Allele origin: germline.

Breakthrough Genomics
Classification: Benign. Review status: criteria provided, single submitter. Criteria: ACMG Guidelines, 2015. Collection method: not provided. Allele origin: germline. Inheritance: Autosomal recessive inheritance. Affected: yes.

NM_024741.3(ZNF408):c.1755C>T (p.Gly585=)

Gene: ZNF408 (zinc finger protein 408; plus strand). Cytogenetic location: 11p11.2.
Variant type: single nucleotide variant.
Coding change: c.1755C>T on transcript NM_024741.3 (MANE Select); coding-DNA position 1755, C replaced by T.
Protein change: p.Gly585=; no amino-acid change (glycine 585 retained).
Molecular consequence: synonymous variant.
Genome position (GRCh38, 1-based): chr11:46,705,455, C>T. VCF-style: chr11-46705455-C-T. GRCh37 (hg19) VCF-style: chr11-46727005-C-T.
Other names: c.1731C>T, p.Gly577= (NM_001184751.2).
Identifiers: ClinVar variation 777856 (VCV000777856.19), dbSNP rs140880455, ClinGen allele CA5966637.
Genomic context (GRCh38, chr11:46,705,455, plus strand): 5'-GCTCCGAGCTCACGAGCGCCTGCACTCCGGAGAGAGGCCCTTTCCCTGTCCCCAGTGTGG[C>T]CGTGCTTACACGCTGGCCACCAAGCTGCGGCGCCACCTCAAATCTCACTTGGAGGACAAG-3'
Protein context (NP_079017.1, residues 575-595): GERPFPCPQC[Gly585=]RAYTLATKLR